The following is an entry in ClinVar:

ClinVar aggregate classification (germline): Likely benign (1 of 4 stars; one submission).

Allele frequency attached by ClinVar (database versions not stated): gnomAD exomes 0.00001; gnomAD 0.00006; TOPMed 0.00006.
gnomAD v4.1: 26 of 1,551,324 alleles (0.0017%); highest among the groups gnomAD compares: African/African-American, 0.026%; no homozygotes.

Submission:

CeGaT Center for Human Genetics Tuebingen
Classification: Likely benign. Last evaluated: 2022-04-01. Review status: criteria provided, single submitter. Criteria: CeGaT Center For Human Genetics Tuebingen Variant Classification Criteria Version 2. Collection method: clinical testing. Allele origin: germline. Affected: yes. Observed: 1 variant allele.
Comment: VWDE: BP4, BP7

NM_001135924.3(VWDE):c.4044T>C (p.Cys1348=)

Gene: VWDE (von Willebrand factor D and EGF domains; minus strand). Cytogenetic location: 7p21.3.
Variant type: single nucleotide variant.
Coding change: c.4044T>C on transcript NM_001135924.3 (MANE Select); coding-DNA position 4044, T replaced by C.
Protein change: p.Cys1348=; no amino-acid change (cysteine 1348 retained).
Molecular consequence: synonymous variant. On other transcripts: non-coding transcript variant (1).
Genome position (GRCh38, 1-based): chr7:12,344,229, A>G on the plus strand (T>C on the coding strand, the complement: VWDE is on the minus strand). VCF-style: chr7-12344229-A-G. GRCh37 (hg19) VCF-style: chr7-12383855-A-G.
Other names: c.3699T>C, p.Cys1233= (NM_001346972.2); c.3234T>C, p.Cys1078= (NM_001346973.2).
Identifiers: ClinVar variation 2657325 (VCV002657325.24), dbSNP rs1045952861, ClinGen allele CA153946114.